The following is an entry in ClinVar:

ClinVar aggregate classification (germline): Uncertain significance (1 of 4 stars; one submission).

Conditions:
Inborn genetic diseases. Identifiers: MedGen C0950123, MeSH D030342.

gnomAD v4.1: 2 of 1,614,006 alleles (0.00012%); highest among the groups gnomAD compares: Non-Finnish European, 0.00017%; no homozygotes.

Submission:

Ambry Genetics
Classification: Uncertain significance for Inborn genetic diseases. Last evaluated: 2023-06-21. Review status: criteria provided, single submitter. Criteria: Ambry Variant Classification Scheme 2023. Collection method: clinical testing. Allele origin: germline.
Comment: The p.Q1425R variant (also known as c.4274A>G), located in coding exon 30 of the LRRK2 gene, results from an A to G substitution at nucleotide position 4274. The glutamine at codon 1425 is replaced by arginine, an amino acid with highly similar properties. This amino acid position is conserved. In addition, this alteration is predicted to be tolerated by in silico analysis. Since supporting evidence is limited at this time, the clinical significance of this alteration remains unclear.

NM_198578.4(LRRK2):c.4274A>G (p.Gln1425Arg)

Gene: LRRK2 (leucine rich repeat kinase 2; plus strand). Cytogenetic location: 12q12.
Variant type: single nucleotide variant.
Coding change: c.4274A>G on transcript NM_198578.4 (MANE Select); coding-DNA position 4274, A replaced by G.
Protein change: p.Gln1425Arg; replaces glutamine 1425 with arginine.
Molecular consequence: missense variant.
Genome position (GRCh38, 1-based): chr12:40,309,190, A>G. VCF-style: chr12-40309190-A-G. GRCh37 (hg19) VCF-style: chr12-40702992-A-G.
Other names: short protein forms Q1425R.
Identifiers: ClinVar variation 2624874 (VCV002624874.2), dbSNP rs2499818357, ClinGen allele CA384418144.
Genomic context (GRCh38, chr12:40,309,190, plus strand): 5'-ATCCCCATTTTATGACGCAGCGAGCATTGTACCTTGCTGTCTATGACCTCAGCAAGGGAC[A>G]GGCTGAAGTTGATGCCATGAAGCCTTGGCTCTTCAATATAAAGGTGATTTGTTCTGATCA-3'
Protein context (NP_940980.4, residues 1415-1435): YLAVYDLSKG[Gln1425Arg]AEVDAMKPWL